The following is an entry in ClinVar:

NM_003119.4(SPG7):c.82G>A (p.Ala28Thr)

Genes: SPG7 (SPG7 matrix AAA peptidase subunit, paraplegin; plus strand), LOC130059818 (ATAC-STARR-seq lymphoblastoid silent region 7911; plus strand). Cytogenetic location: 16q24.3.
Variant type: single nucleotide variant.
Coding change: c.82G>A on transcript NM_003119.4 (MANE Select); coding-DNA position 82, G replaced by A.
Protein change: p.Ala28Thr; replaces alanine 28 with threonine.
Molecular consequence: missense variant.
Genome position (GRCh38, 1-based): chr16:89,508,499, G>A. VCF-style: chr16-89508499-G-A. GRCh37 (hg19) VCF-style: chr16-89574907-G-A.
Other names: c.82G>A, p.Ala28Thr (NM_001363850.1, NM_199367.3); short protein forms A28T.
Identifiers: ClinVar variation 2573497 (VCV002573497.1), dbSNP rs757013711, ClinGen allele CA397415947.

ClinVar aggregate classification (germline): Uncertain significance (1 of 4 stars; one submission).

gnomAD v4.1: 4 of 1,513,412 alleles (0.00026%); highest among the groups gnomAD compares: East Asian, 0.0053%; no homozygotes.

Submission:

Women's Health and Genetics/Laboratory Corporation of America, LabCorp
Classification: Uncertain significance. Last evaluated: 2023-06-23. Review status: criteria provided, single submitter. Criteria: LabCorp Variant Classification Summary - May 2015. Collection method: clinical testing. Allele origin: germline.
Comment: Variant summary: SPG7 c.82G>A (p.Ala28Thr) results in a non-conservative amino acid change in the encoded protein sequence. Four of five in-silico tools predict a benign effect of the variant on protein function. The variant was absent in 108780 control chromosomes (gnomAD). The available data on variant occurrences in the general population are insufficient to allow any conclusion about variant significance. To our knowledge, no occurrence of c.82G>A in individuals affected with Hereditary Spastic Paraplegia 7 and no experimental evidence demonstrating its impact on protein function have been reported. No submitters have cited clinical-significance assessments for this variant to ClinVar after 2014. Based on the evidence outlined above, the variant was classified as uncertain significance.